The following is an entry in ClinVar:

ClinVar aggregate classification (germline): Pathogenic (1 of 4 stars; one submission).

Submission:

Labcorp Genetics (formerly Invitae), Labcorp
Classification: Pathogenic. Last evaluated: 2023-04-06. Review status: criteria provided, single submitter. Criteria: Invitae Variant Classification Sherloc (09022015). Collection method: clinical testing. Allele origin: germline.
Comment: This variant disrupts a region of the HJV protein in which other variant(s) (p.Leu366*) have been determined to be pathogenic (PMID: 27753142; Invitae). This suggests that this is a clinically significant region of the protein, and that variants that disrupt it are likely to be disease-causing. ClinVar contains an entry for this variant (Variation ID: 1452499). This variant has not been reported in the literature in individuals affected with HJV-related conditions. This variant is not present in population databases (gnomAD no frequency). This sequence change creates a premature translational stop signal (p.Phe296Serfs*5) in the HJV gene. While this is not anticipated to result in nonsense mediated decay, it is expected to disrupt the last 131 amino acid(s) of the HJV protein. For these reasons, this variant has been classified as Pathogenic.

Literature cited by the submitters: PubMed 27753142.

NM_213653.4(HJV):c.885del (p.Phe296fs)

Gene: HJV (hemojuvelin BMP co-receptor; minus strand). Cytogenetic location: 1q21.1.
Variant type: Deletion.
Coding change: c.885del on transcript NM_213653.4 (MANE Select); coding-DNA position 885, one base deleted (C; older notation c.885delC).
Protein change: p.Phe296fs; shifts the reading frame from phenylalanine 296.
Molecular consequence: frameshift variant.
Genome position (GRCh38, 1-based): chr1:146,018,473, G deleted on the plus strand (C on the coding strand, the reverse complement: HJV is on the minus strand); the first of 2 consecutive G bases (chr1:146,018,473-146,018,474); deleting either gives the same sequence. VCF-style (leftmost placement, unchanged base first): chr1-146018472-AG-A. GRCh37 (hg19) VCF-style: chr1-145416538-TC-T.
Other names: c.207del, p.Phe70fs (NM_001316767.2, NM_202004.4, NM_213652.4); c.885del, p.Phe296fs (NM_001379352.1); c.546del, p.Phe183fs (NM_145277.5); short protein forms F183fs, F70fs, F296fs.
Identifiers: ClinVar variation 1452499 (VCV001452499.8), dbSNP rs2101982519, ClinGen allele CA2573131055.